The following is an entry in ClinVar:

ClinVar aggregate classification (germline): Likely benign. Review status: criteria provided, multiple submitters, no conflicts (2 of 4 stars). 2 submissions from 2 submitters: Likely benign (2). Last evaluated 2026-07-01.

Conditions:
Inborn genetic diseases. Identifiers: MedGen C0950123, MeSH D030342.

Allele frequency attached by ClinVar (database versions not stated): ExAC 0.00007; gnomAD exomes 0.00008 and 0.00011; gnomAD 0.00011 and 0.00013; TOPMed 0.00011; ESP Exome Variant Server 0.00015; 1000 Genomes Project 30x 0.00016; 1000 Genomes Project 0.00020.
gnomAD v4.1: 185 of 1,613,092 alleles (0.011%); highest among the groups gnomAD compares: Admixed American, 0.017%; no homozygotes.

Submissions (2):

CeGaT Center for Human Genetics Tuebingen
Classification: Likely benign. Last evaluated: 2026-07-01. Review status: criteria provided, single submitter. Criteria: CeGaT Center For Human Genetics Tuebingen Variant Classification Criteria Version 2. Collection method: clinical testing. Allele origin: germline. Affected: yes. Observed: 1 variant allele.
Comment: CTCF: BP4, BP7

Ambry Genetics
Classification: Likely benign for Inborn genetic diseases. Last evaluated: 2017-03-21. Review status: criteria provided, single submitter. Criteria: Ambry Variant Classification Scheme 2023. Collection method: clinical testing. Allele origin: germline.

NM_006565.4(CTCF):c.1314C>T (p.His438=)

Gene: CTCF (CCCTC-binding factor; plus strand). Cytogenetic location: 16q22.1.
Variant type: single nucleotide variant.
Coding change: c.1314C>T on transcript NM_006565.4 (MANE Select); coding-DNA position 1314, C replaced by T.
Protein change: p.His438=; no amino-acid change (histidine 438 retained).
Molecular consequence: synonymous variant.
Genome position (GRCh38, 1-based): chr16:67,621,548, C>T. VCF-style: chr16-67621548-C-T. GRCh37 (hg19) VCF-style: chr16-67655451-C-T.
Other names: c.330C>T, p.His110= (NM_001191022.2); c.1314C>T, p.His438= (NM_001363916.2).
Identifiers: ClinVar variation 589197 (VCV000589197.6), dbSNP rs185045573, ClinGen allele CA8112669.